The following is an entry in ClinVar:

NM_001909.5(CTSD):c.829G>T (p.Val277Leu)

Gene: CTSD (cathepsin D; minus strand). Cytogenetic location: 11p15.5.
Variant type: single nucleotide variant.
Coding change: c.829G>T on transcript NM_001909.5 (MANE Select); coding-DNA position 829, G replaced by T.
Protein change: p.Val277Leu; replaces valine 277 with leucine.
Molecular consequence: missense variant.
Genome position (GRCh38, 1-based): chr11:1,754,137, C>A on the plus strand (G>T on the coding strand, the complement: CTSD is on the minus strand). VCF-style: chr11-1754137-C-A. GRCh37 (hg19) VCF-style: chr11-1775367-C-A.
Other names: short protein forms V277L.
Identifiers: ClinVar variation 2082257 (VCV002082257.1), dbSNP rs372319807, ClinGen allele CA379094212.
Genomic context (GRCh38, chr11:1,754,137, plus strand): 5'-CTGTGTCCACAATGGCCTCACAGCCCTCCTTGCACAGGGTCAGCCCGCTGGCCACCTCCA[C>A]CCTGCGGGGAGTCAGGGCGTGAAGCCCCTGCCGGGACTGGAGTGTGCCCTGGGGGCCCAG-3'
Protein context (NP_001900.1, residues 267-287): KAYWQVHLDQ[Val277Leu]EVASGLTLCK

ClinVar aggregate classification (germline): Uncertain significance (1 of 4 stars; one submission).

Conditions:
Neuronal ceroid lipofuscinosis. Also called: Neuronal Ceroid Lipofuscinoses. Identifiers: Orphanet 216, Orphanet 79263, MedGen C0027877, MONDO:0016295. Disease mechanism: loss of function.

gnomAD v4.1: 1 of 1,608,504 alleles (0.000062%); highest among the groups gnomAD compares: Admixed American, 0.0017%; no homozygotes.

Submission:

Labcorp Genetics (formerly Invitae), Labcorp
Classification: Uncertain significance for Neuronal ceroid lipofuscinosis. Last evaluated: 2022-01-13. Review status: criteria provided, single submitter. Criteria: Invitae Variant Classification Sherloc (09022015). Collection method: clinical testing. Allele origin: germline.
Comment: This sequence change replaces valine, which is neutral and non-polar, with leucine, which is neutral and non-polar, at codon 277 of the CTSD protein (p.Val277Leu). This variant is not present in population databases (gnomAD no frequency). This variant has not been reported in the literature in individuals affected with CTSD-related conditions. Algorithms developed to predict the effect of missense changes on protein structure and function output the following: SIFT: "Tolerated"; PolyPhen-2: "Benign"; Align-GVGD: "Class C0". The leucine amino acid residue is found in multiple mammalian species, which suggests that this missense change does not adversely affect protein function. Algorithms developed to predict the effect of sequence changes on RNA splicing suggest that this variant may create or strengthen a splice site. In summary, the available evidence is currently insufficient to determine the role of this variant in disease. Therefore, it has been classified as a Variant of Uncertain Significance.